The following is an entry in ClinVar:

ClinVar aggregate classification (germline): Uncertain significance (1 of 4 stars; one submission).

gnomAD v4.1: 9 of 1,609,974 alleles (0.00056%); highest among the groups gnomAD compares: South Asian, 0.0022%; no homozygotes.

Submission:

Labcorp Genetics (formerly Invitae), Labcorp
Classification: Uncertain significance. Last evaluated: 2022-09-07. Review status: criteria provided, single submitter. Criteria: Invitae Variant Classification Sherloc (09022015). Collection method: clinical testing. Allele origin: germline.
Comment: This sequence change replaces proline, which is neutral and non-polar, with histidine, which is basic and polar, at codon 940 of the KIAA0556 protein (p.Pro940His). This variant is present in population databases (rs371104220, gnomAD 0.003%). This variant has not been reported in the literature in individuals affected with KIAA0556-related conditions. Algorithms developed to predict the effect of missense changes on protein structure and function (SIFT, PolyPhen-2, Align-GVGD) all suggest that this variant is likely to be tolerated. In summary, the available evidence is currently insufficient to determine the role of this variant in disease. Therefore, it has been classified as a Variant of Uncertain Significance.

NM_015202.5(KATNIP):c.2819C>A (p.Pro940His)

Gene: KATNIP (katanin interacting protein; plus strand). Cytogenetic location: 16p12.1.
Variant type: single nucleotide variant.
Coding change: c.2819C>A on transcript NM_015202.5 (MANE Select); coding-DNA position 2819, C replaced by A.
Protein change: p.Pro940His; replaces proline 940 with histidine.
Molecular consequence: missense variant.
Genome position (GRCh38, 1-based): chr16:27,749,779, C>A. VCF-style: chr16-27749779-C-A. GRCh37 (hg19) VCF-style: chr16-27761100-C-A.
Other names: short protein forms P940H.
Identifiers: ClinVar variation 2099883 (VCV002099883.4), dbSNP rs371104220, ClinGen allele CA7978074.
Genomic context (GRCh38, chr16:27,749,779, plus strand): 5'-CGGGGGACATCCTGGATGAGCTCCTGCAGCAAAAGAGCAGCCGGCACAGCGACTTGCCCC[C>A]CTCCAAGAAGGGGGAGCAGCCAGGGCTGTCGAGAGGGCAGGATGGCTACTCTGGAGAGAC-3'
Protein context (NP_056017.4, residues 930-950): QKSSRHSDLP[Pro940His]SKKGEQPGLS